The following is an entry in ClinVar:

ClinVar aggregate classification (germline): Likely benign (1 of 4 stars; one submission).

Submission:

CeGaT Center for Human Genetics Tuebingen
Classification: Likely benign. Last evaluated: 2022-05-01. Review status: criteria provided, single submitter. Criteria: CeGaT Center For Human Genetics Tuebingen Variant Classification Criteria Version 2. Collection method: clinical testing. Allele origin: germline. Affected: yes. Observed: 1 variant allele.
Comment: LRRK2: PM2:Supporting, BP4, BP7

NM_198578.4(LRRK2):c.6714A>C (p.Leu2238=)

Gene: LRRK2 (leucine rich repeat kinase 2; plus strand). Cytogenetic location: 12q12.
Variant type: single nucleotide variant.
Coding change: c.6714A>C on transcript NM_198578.4 (MANE Select); coding-DNA position 6714, A replaced by C.
Protein change: p.Leu2238=; no amino-acid change (leucine 2238 retained).
Molecular consequence: synonymous variant.
Genome position (GRCh38, 1-based): chr12:40,354,436, A>C. VCF-style: chr12-40354436-A-C. GRCh37 (hg19) VCF-style: chr12-40748238-A-C.
Identifiers: ClinVar variation 2642852 (VCV002642852.24), dbSNP rs202244108, ClinGen allele CA479242650.